The following is an entry in ClinVar:

NM_005591.4(MRE11):c.304_305delinsAC (p.Gly102Thr)

Gene: MRE11 (MRE11 double strand break repair nuclease; minus strand). Cytogenetic location: 11q21.
Variant type: Indel.
Coding change: c.304_305delinsAC on transcript NM_005591.4 (MANE Select); coding-DNA positions 304 to 305, GG replaced by AC.
Protein change: p.Gly102Thr; replaces glycine 102 with threonine.
Molecular consequence: missense variant.
Genome position (GRCh38, 1-based): chr11:94,485,933-94,485,934, CC replaced by GT on the plus strand (GG replaced by AC on the coding strand, the reverse complement: MRE11 is on the minus strand). VCF-style: chr11-94485933-CC-GT. GRCh37 (hg19) VCF-style: chr11-94219099-CC-GT.
Other names: c.304_305delinsAC, p.Gly102Thr (NM_001330347.2, NM_005590.4); short protein forms G102T.
Identifiers: ClinVar variation 836815 (VCV000836815.8), dbSNP rs1947129382, ClinGen allele CA916082350.
Genomic context (GRCh38, chr11:94,485,933, plus strand): 5'-GCAAATACCATACACAAGTAATCACTCACTCAAGTAAATAAATATACTTACTTACTAAAA[CC>GT]AAAGTTGACTGACTGATCACTGAGAATTTCAAACTGGACAGGCCGATCACCCATACAATA-3'
Protein context (NP_005582.1, residues 92-112): EILSDQSVNF[Gly102Thr]FSKFPWVNYQ

ClinVar aggregate classification (germline): Uncertain significance (1 of 4 stars; one submission).

Conditions:
Ataxia-telangiectasia-like disorder (ATLD). Identifiers: MedGen C1858391, MONDO:0011457.

Submission:

Labcorp Genetics (formerly Invitae), Labcorp
Classification: Uncertain significance for Ataxia-telangiectasia-like disorder. Last evaluated: 2019-12-17. Review status: criteria provided, single submitter. Criteria: Invitae Variant Classification Sherloc (09022015). Collection method: clinical testing. Allele origin: germline.
Comment: This variant is not present in population databases (ExAC no frequency). This sequence change replaces glycine with threonine at codon 102 of the MRE11 protein (p.Gly102Thr). The glycine residue is moderately conserved and there is a small physicochemical difference between glycine and threonine. This variant has not been reported in the literature in individuals with MRE11-related conditions. In summary, the available evidence is currently insufficient to determine the role of this variant in disease. Therefore, it has been classified as a Variant of Uncertain Significance. Algorithms developed to predict the effect of missense changes on protein structure and function (SIFT, PolyPhen-2, Align-GVGD) all suggest that this variant is likely to be tolerated, but these predictions have not been confirmed by published functional studies and their clinical significance is uncertain.